The following is an entry in ClinVar:

ClinVar aggregate classification (germline): Uncertain significance. Review status: criteria provided, multiple submitters, no conflicts (2 of 4 stars). 2 submissions from 2 submitters: Uncertain significance (2). Last evaluated 2024-12-25.

Conditions:
Inborn genetic diseases. Identifiers: MedGen C0950123, MeSH D030342.
Hyperkalemic periodic paralysis. Also called: Familial hyperkalemic periodic paralysis; Gamstorp disease. Identifiers: Orphanet 682, MedGen C0238357, MONDO:0008224, OMIM 170500, HP:0007215.

gnomAD v4.1: 8 of 1,602,840 alleles (0.0005%); highest among the groups gnomAD compares: Non-Finnish European, 0.00068%; no homozygotes.

Submissions (2):

Ambry Genetics
Classification: Uncertain significance for Inborn genetic diseases. Last evaluated: 2024-12-25. Review status: criteria provided, single submitter. Criteria: Ambry Variant Classification Scheme 2023. Collection method: clinical testing. Allele origin: germline.

Labcorp Genetics (formerly Invitae), Labcorp
Classification: Uncertain significance for Hyperkalemic periodic paralysis. Last evaluated: 2024-08-16. Review status: criteria provided, single submitter. Criteria: Invitae Variant Classification Sherloc (09022015). Collection method: clinical testing. Allele origin: germline.
Comment: This sequence change replaces serine, which is neutral and polar, with isoleucine, which is neutral and non-polar, at codon 199 of the SCN4A protein (p.Ser199Ile). This variant is not present in population databases (gnomAD no frequency). This variant has not been reported in the literature in individuals affected with SCN4A-related conditions. Invitae Evidence Modeling of protein sequence and biophysical properties (such as structural, functional, and spatial information, amino acid conservation, physicochemical variation, residue mobility, and thermodynamic stability) indicates that this missense variant is not expected to disrupt SCN4A protein function with a negative predictive value of 95%. In summary, the available evidence is currently insufficient to determine the role of this variant in disease. Therefore, it has been classified as a Variant of Uncertain Significance.

NM_000334.4(SCN4A):c.596G>T (p.Ser199Ile)

Gene: SCN4A (sodium voltage-gated channel alpha subunit 4; minus strand). Cytogenetic location: 17q23.3.
Variant type: single nucleotide variant.
Coding change: c.596G>T on transcript NM_000334.4 (MANE Select); coding-DNA position 596, G replaced by T.
Protein change: p.Ser199Ile; replaces serine 199 with isoleucine.
Molecular consequence: missense variant.
Genome position (GRCh38, 1-based): chr17:63,971,737, C>A on the plus strand (G>T on the coding strand, the complement: SCN4A is on the minus strand). VCF-style: chr17-63971737-C-A. GRCh37 (hg19) VCF-style: chr17-62049097-C-A.
Other names: short protein forms S199I.
Identifiers: ClinVar variation 3707019 (VCV003707019.3).
Genomic context (GRCh38, chr17:63,971,737, plus strand): 5'-CCCTCACCCACCCCAGCCTCAGGATGTCCTGGGGCCCCTGCTCACGCCATCATGATGACA[C>A]TGAAGTCCAGCCAGTTCCAGGGGTCCCGGAGGAATGTGAAGTCGTCGACACAGAAGCCTC-3'
Protein context (NP_000325.4, residues 189-209): LRDPWNWLDF[Ser199Ile]VIMMAYLTEF